The following is an entry in ClinVar:

ClinVar aggregate classification (germline): Uncertain significance (1 of 4 stars; one submission).

Conditions:
Inborn genetic diseases. Identifiers: MedGen C0950123, MeSH D030342.

gnomAD v4.1: 1 of 1,610,546 alleles (0.000062%); highest among the groups gnomAD compares: Non-Finnish European, 0.000085%; no homozygotes.

Submission:

Ambry Genetics
Classification: Uncertain significance for Inborn genetic diseases. Last evaluated: 2025-09-20. Review status: criteria provided, single submitter. Criteria: Ambry Variant Classification Scheme 2023. Collection method: clinical testing. Allele origin: germline.
Comment: The p.T172R variant (also known as c.515C>G), located in coding exon 5 of the PAX5 gene, results from a C to G substitution at nucleotide position 515. The threonine at codon 172 is replaced by arginine, an amino acid with similar properties. This amino acid position is conserved. In addition, this alteration is predicted to be deleterious by in silico analysis. Based on the available evidence, the clinical significance of this variant remains unclear.

NM_016734.3(PAX5):c.515C>G (p.Thr172Arg)

Genes: PAX5 (paired box 5; minus strand), LOC105376032 (uncharacterized LOC105376032; plus strand). Cytogenetic location: 9p13.2.
Variant type: single nucleotide variant.
Coding change: c.515C>G on transcript NM_016734.3 (MANE Select); coding-DNA position 515, C replaced by G.
Protein change: p.Thr172Arg; replaces threonine 172 with arginine.
Molecular consequence: missense variant. On other transcripts: non-coding transcript variant (4), intron variant (2).
Genome position (GRCh38, 1-based): chr9:37,002,737, G>C on the plus strand (C>G on the coding strand, the complement: PAX5 is on the minus strand). VCF-style: chr9-37002737-G-C. GRCh37 (hg19) VCF-style: chr9-37002734-G-C.
Other names: c.515C>G, p.Thr172Arg (NM_001280550.2, NM_001280552.2, NM_001280547.2 and 2 more transcripts); c.191C>G, p.Thr64Arg (NM_001280551.2, NM_001280556.2); c.317C>G, p.Thr106Arg (NM_001280555.2); c.475+3736C>G (NM_001280553.2, NM_001280554.2); short protein forms T106R, T172R, T64R.
Identifiers: ClinVar variation 4626939 (VCV004626939.1).